The following is an entry in ClinVar:

ClinVar aggregate classification (germline): Uncertain significance (1 of 4 stars; one submission).

Conditions:
Kabuki syndrome. Also called: Kabuki make-up syndrome; NIIKAWA-KUROKI SYNDROME. Identifiers: Orphanet 2322, MedGen C0796004, MONDO:0016512.

Submission:

Labcorp Genetics (formerly Invitae), Labcorp
Classification: Uncertain significance for Kabuki syndrome. Last evaluated: 2025-05-05. Review status: criteria provided, single submitter. Criteria: Invitae Variant Classification Sherloc (09022015). Collection method: clinical testing. Allele origin: germline.
Comment: This sequence change replaces proline, which is neutral and non-polar, with alanine, which is neutral and non-polar, at codon 4976 of the KMT2D protein (p.Pro4976Ala). This variant is not present in population databases (gnomAD no frequency). This variant has not been reported in the literature in individuals affected with KMT2D-related conditions. Invitae Evidence Modeling of protein sequence and biophysical properties (such as structural, functional, and spatial information, amino acid conservation, physicochemical variation, residue mobility, and thermodynamic stability) indicates that this missense variant is not expected to disrupt KMT2D protein function with a negative predictive value of 95%. In summary, the available evidence is currently insufficient to determine the role of this variant in disease. Therefore, it has been classified as a Variant of Uncertain Significance.

NM_003482.4(KMT2D):c.14926C>G (p.Pro4976Ala)

Gene: KMT2D (lysine methyltransferase 2D; minus strand). Cytogenetic location: 12q13.12.
Variant type: single nucleotide variant.
Coding change: c.14926C>G on transcript NM_003482.4 (MANE Select); coding-DNA position 14926, C replaced by G.
Protein change: p.Pro4976Ala; replaces proline 4976 with alanine.
Molecular consequence: missense variant.
Genome position (GRCh38, 1-based): chr12:49,027,040, G>C on the plus strand (C>G on the coding strand, the complement: KMT2D is on the minus strand). VCF-style: chr12-49027040-G-C. GRCh37 (hg19) VCF-style: chr12-49420823-G-C.
Other names: short protein forms P4976A.
Identifiers: ClinVar variation 4779892 (VCV004779892.1).